The following is an entry in ClinVar:

NM_001369.3(DNAH5):c.4237C>T (p.Gln1413Ter)

Genes: DNAH5 (dynein axonemal heavy chain 5; minus strand), DNAH5-AS1 (DNAH5 antisense RNA 1; plus strand). Cytogenetic location: 5p15.2.
Variant type: single nucleotide variant.
Coding change: c.4237C>T on transcript NM_001369.3 (MANE Select); coding-DNA position 4237, C replaced by T.
Protein change: p.Gln1413Ter; replaces glutamine 1413 with a stop codon.
Molecular consequence: nonsense.
Genome position (GRCh38, 1-based): chr5:13,865,786, G>A on the plus strand (C>T on the coding strand, the complement: DNAH5 is on the minus strand). VCF-style: chr5-13865786-G-A. GRCh37 (hg19) VCF-style: chr5-13865895-G-A.
Other names: c.4237C>T (NM_001369.2); short protein forms Q1413*.
Identifiers: ClinVar variation 1458964 (VCV001458964.12), dbSNP rs752734772, ClinGen allele CA3204042.
Genomic context (GRCh38, chr5:13,865,786, plus strand): 5'-GAATATCATAATAGCTATTTACAGTTTCTATGACACTGTTGTACAGAGTATATATTTTCT[G>A]TAGAAGATTTAGTTGCTTCTTTATTTCAAGAAGCTGAGGATACTGTGTAGCTGGCAGGCC-3'

ClinVar aggregate classification (germline): Pathogenic/Likely pathogenic. Review status: criteria provided, multiple submitters, no conflicts (2 of 4 stars). 7 submissions from 7 submitters: Pathogenic (6); Likely pathogenic (1). Last evaluated 2025-12-19.

Conditions:
Primary ciliary dyskinesia 3. Identifiers: Orphanet 244, MedGen C1837618, MONDO:0012085, OMIM 608644.
DNAH5-related disorders.
Primary ciliary dyskinesia. Also called: Ciliary dyskinesia. Identifiers: Orphanet 244, MedGen C0008780, MONDO:0016575, HP:0012265.

Allele frequency attached by ClinVar (database versions not stated): gnomAD exomes below 0.00001; gnomAD 0.00001; ExAC 0.00001.
gnomAD v4.1: 5 of 1,612,718 alleles (0.00031%); highest among the groups gnomAD compares: Non-Finnish European, 0.00042%; no homozygotes.

Submissions (7):

Laboratory of Cell Biology, Institute of Biomedical Sciences Abel Salazar University of Porto
Classification: Pathogenic for Primary ciliary dyskinesia 3. Last evaluated: 2025-12-19. Review status: criteria provided, single submitter. Criteria: ACMG Guidelines, 2015. Collection method: clinical testing. Allele origin: germline. Inheritance: Autosomal recessive inheritance.
Comment: The DNAH5 c.4237C>T variant is a nonsense (null) variant predicted to introduce a premature termination codon. Loss‑of‑function of DNAH5 is an established disease mechanism for Primary Ciliary Dyskinesia (PCD), and this gene has an extensive record of pathogenic loss‑of‑function variants. The variant is reported in ClinVar as Pathogenic with a 2‑star review status (last reviewed September 2025), with submissions including one from a high‑confidence clinical laboratory. ClinVar associates this variant with Primary Ciliary Dyskinesia 3 (citing PMID: 26139845), supporting the clinical relevance of this change. Population data further support pathogenicity: in gnomAD, this variant is absent in the homozygous state in both the genome and exome datasets (homozygous allele count = 0), meeting expectations for a pathogenic variant in a recessive condition. Coverage at the variant site is adequate in both datasets (genomes: 32.3×; exomes: 39.6×), reducing the likelihood of false absence.

Natera, Inc.
Classification: Pathogenic for Primary ciliary dyskinesia. Last evaluated: 2025-11-21. Review status: criteria provided, single submitter. Criteria: Natera Variant Classification Schema (03/2026). Collection method: clinical testing. Allele origin: germline.
Comment: The c.4237C>T variant in DNAH5 is a nonsense variant predicted to introduce a stop codon at amino acid 1413. This variant is expected to result in nonsense mediated decay, truncation, or a dysfunctional protein product. This variant is rare in the general population with a frequency below the threshold expected for the associated phenotype(s). This variant has been observed in one or more individuals affected with the associated recessive disease, as either homozygous or compound heterozygous with a second variant (PMID: 26139845). Additionally, this variant has been observed to segregate in affected family members (PMID: 26139845). Given the available evidence, this variant is classified as Pathogenic.

Dasa
Classification: Pathogenic. Last evaluated: 2025-07-11. Review status: criteria provided, single submitter. Criteria: DASA Assertion Criteria. Collection method: clinical testing. Allele origin: germline.
Comment: NM_001369.3(DNAH5):c.4237C>T (p.Gln1413*) introduces a premature termination codon predicted to result in loss of normal protein function. Loss-of-function is an established mechanism of disease for this gene. This variant has been observed in affected individuals with related phenotype in a genotype context consistent with recessive disease (PMID: 26139845). This variant has been reported in individuals with related phenotype (PMID: 26139845). The variant is present at low frequency in population datasets. Based on the available data, this variant is classified as pathogenic.

Labcorp Genetics (formerly Invitae), Labcorp
Classification: Pathogenic for Primary ciliary dyskinesia. Last evaluated: 2025-07-04. Review status: criteria provided, single submitter. Criteria: Invitae Variant Classification Sherloc (09022015). Collection method: clinical testing. Allele origin: germline.
Comment: This sequence change creates a premature translational stop signal (p.Gln1413*) in the DNAH5 gene. It is expected to result in an absent or disrupted protein product. Loss-of-function variants in DNAH5 are known to be pathogenic (PMID: 11788826, 16627867). This variant is present in population databases (rs752734772, gnomAD 0.002%). This premature translational stop signal has been observed in individual(s) with primary ciliary dyskinesia (PMID: 26139845). ClinVar contains an entry for this variant (Variation ID: 1458964). Algorithms developed to predict the effect of sequence changes on RNA splicing suggest that this variant may disrupt the consensus splice site. For these reasons, this variant has been classified as Pathogenic.

Myriad Genetics, Inc.
Classification: Pathogenic for Primary ciliary dyskinesia 3. Last evaluated: 2024-05-14. Review status: criteria provided, single submitter. Criteria: Myriad Autosomal Dominant, Autosomal Recessive and X-Linked Classification Criteria (2023). Collection method: clinical testing. Allele origin: unknown.
Comment: NM_001369.2(DNAH5):c.4237C>T(Q1413*) is expected to be pathogenic in the context of primary ciliary dyskinesia, DNAH5-related. This variant is predicted to lead to an abnormal or absent protein product due to the creation of a premature termination codon in DNAH5, a gene where loss-of-function variants are known to be pathogenic. Please note: this variant was assessed in the context of healthy population screening.

Fulgent Genetics
Classification: Pathogenic for Primary ciliary dyskinesia 3. Last evaluated: 2024-04-21. Review status: criteria provided, single submitter. Criteria: ACMG Guidelines, 2015. Collection method: clinical testing. Allele origin: germline.

Blueprint Genetics
Classification: Likely pathogenic for DNAH5-related disorders. Last evaluated: 2022-05-06. Review status: criteria provided, single submitter. Criteria: ACMG Guidelines, 2015. Collection method: clinical testing. Allele origin: germline. Affected: yes. Observed: 1 variant allele.

Literature cited by the submitters: PubMed 26139845 (cited by 3 submitters); PubMed 11788826 (cited by Labcorp Genetics (formerly Invitae), Labcorp); PubMed 16627867 (cited by Labcorp Genetics (formerly Invitae), Labcorp).